The following is an entry in ClinVar:

NM_033286.4(KNSTRN):c.634A>G (p.Lys212Glu)

Gene: KNSTRN (kinetochore localized astrin (SPAG5) binding protein; plus strand). Cytogenetic location: 15q15.1.
Variant type: single nucleotide variant.
Coding change: c.634A>G on transcript NM_033286.4 (MANE Select); coding-DNA position 634, A replaced by G.
Protein change: p.Lys212Glu; replaces lysine 212 with glutamic acid.
Molecular consequence: missense variant.
Genome position (GRCh38, 1-based): chr15:40,389,878, A>G. VCF-style: chr15-40389878-A-G. GRCh37 (hg19) VCF-style: chr15-40682079-A-G.
Other names: c.634A>G, p.Lys212Glu (NM_001142761.1, NM_001142762.1); c.634A>G (NM_033286.3); short protein forms K212E.
Identifiers: ClinVar variation 2645172 (VCV002645172.25), dbSNP rs61739399, ClinGen allele CA7480278.

ClinVar aggregate classification (germline): Conflicting classifications of pathogenicity. Review status: criteria provided, conflicting classifications (1 of 4 stars). 2 submissions from 2 submitters: Uncertain significance (1); Benign (1). Last evaluated 2025-08-21.

Allele frequency attached by ClinVar (database versions not stated): gnomAD exomes 0.00024; ExAC 0.00088; 1000 Genomes Project 30x 0.00281; ESP Exome Variant Server 0.00292; 1000 Genomes Project 0.00319; gnomAD 0.00325; TOPMed 0.00333.
gnomAD v4.1: 871 of 1,614,166 alleles (0.054%); highest among the groups gnomAD compares: African/African-American, 1%; 4 homozygotes.

Submissions (2):

Ambry Genetics
Classification: Uncertain significance. Last evaluated: 2025-08-21. Review status: criteria provided, single submitter. Criteria: Ambry Variant Classification Scheme 2023. Collection method: clinical testing. Allele origin: germline.

CeGaT Center for Human Genetics Tuebingen
Classification: Benign. Last evaluated: 2023-09-01. Review status: criteria provided, single submitter. Criteria: CeGaT Center For Human Genetics Tuebingen Variant Classification Criteria Version 2. Collection method: clinical testing. Allele origin: germline. Affected: yes. Observed: 1 variant allele.
Comment: KNSTRN: BS1, BS2